The following is an entry in ClinVar:

NM_001868.4(CPA1):c.124C>G (p.Leu42Val)

Gene: CPA1 (carboxypeptidase A1; plus strand). Cytogenetic location: 7q32.2.
Variant type: single nucleotide variant.
Coding change: c.124C>G on transcript NM_001868.4 (MANE Select); coding-DNA position 124, C replaced by G.
Protein change: p.Leu42Val; replaces leucine 42 with valine.
Molecular consequence: missense variant.
Genome position (GRCh38, 1-based): chr7:130,381,156, C>G. VCF-style: chr7-130381156-C-G. GRCh37 (hg19) VCF-style: chr7-130020997-C-G.
Other names: short protein forms L42V.
Identifiers: ClinVar variation 1760329 (VCV001760329.2), dbSNP rs2536003761, ClinGen allele CA369279303.
Genomic context (GRCh38, chr7:130,381,156, plus strand): 5'-AGGCATCAGGTGCTCCGAATCTCTGTAGCCGATGAGGCCCAGGTACAGAAGGTGAAGGAG[C>G]TGGAGGACCTGGAGCACCTGCAGGTCAGAAGAGGGGAGAAGGGCTCTCTGAGGCCCCAGG-3'
Protein context (NP_001859.1, residues 32-52): DEAQVQKVKE[Leu42Val]EDLEHLQLDF

ClinVar aggregate classification (germline): Uncertain significance (1 of 4 stars; one submission).

Conditions:
Hereditary pancreatitis (PCTT). Also called: Hereditary chronic pancreatitis; PRSS1-Related Hereditary Pancreatitis. Identifiers: Orphanet 676, MedGen C0238339, MONDO:0008185, OMIM 167800.

Allele frequency attached by ClinVar (database versions not stated): gnomAD exomes below 0.00001.
gnomAD v4.1: 1 of 1,613,294 alleles (0.000062%); highest among the groups gnomAD compares: Non-Finnish European, 0.000085%; no homozygotes.

Submission:

Ambry Genetics
Classification: Uncertain significance for Hereditary pancreatitis. Last evaluated: 2022-08-08. Review status: criteria provided, single submitter. Criteria: Ambry Variant Classification Scheme 2023. Collection method: clinical testing. Allele origin: germline.
Comment: The p.L42V variant (also known as c.124C>G), located in coding exon 2 of the CPA1 gene, results from a C to G substitution at nucleotide position 124. The leucine at codon 42 is replaced by valine, an amino acid with highly similar properties. This amino acid position is conserved. In addition, this alteration is predicted to be tolerated by in silico analysis. Since supporting evidence is limited at this time, the clinical significance of this alteration remains unclear.